The following is an entry in ClinVar:

ClinVar aggregate classification (germline): Uncertain significance. Review status: criteria provided, multiple submitters, no conflicts (2 of 4 stars). 2 submissions from 2 submitters: Uncertain significance (2). Last evaluated 2025-08-04.

Conditions:
Leigh syndrome (NULS). Also called: Leigh's necrotizing encephalopathy; Leigh's disease; Leigh Syndrome (mtDNA deletion); Leigh Disease; Subacute necrotizing encephalopathy; Necrotizing encephalopathy infantile subacute of Leigh. Identifiers: Orphanet 506, MedGen C2931891, MONDO:0009723, OMIM 256000.
Peripheral neuropathy. Also called: Neuropathy. Identifiers: MedGen C0031117, MONDO:0005244, HP:0009830.

Submissions (2):

Clinical Genetics Laboratory, Skane University Hospital Lund
Classification: Uncertain significance for Peripheral neuropathy. Last evaluated: 2025-08-04. Review status: criteria provided, single submitter. Criteria: ACMG Guidelines, 2015. Collection method: clinical testing. Allele origin: maternal. Inheritance: Mitochondrial inheritance. Affected: yes.
Comment: ACMG criteria used: PP3, MitoMap APOGEE2: 0.577

Wong Mito Lab, Molecular and Human Genetics, Baylor College of Medicine
Classification: Uncertain significance for Leigh syndrome. Last evaluated: 2019-10-17. Review status: criteria provided, single submitter. Criteria: Modified ACMG Guidelines (Unpublished). Collection method: clinical testing. Allele origin: germline.
Comment: The NC_012920.1:m.9133G>A (YP_003024031.1:p.Glu203Lys) variant in MTATP6 gene is interpretated to be a Uncertain Significance variant based on the modified ACMG guidelines (unpublished). This variant meets the following evidence codes: PM9, PP3, PP6

NC_012920.1(MT-ATP6):m.9133G>A

Gene: MT-ATP6 (mitochondrially encoded ATP synthase 6; plus strand).
Variant type: single nucleotide variant.
Genome position: chrM-9133-G-A.
Identifiers: ClinVar variation 693104 (VCV000693104.2), dbSNP rs1603222118, ClinGen allele CA414802272.